The following is an entry in ClinVar:

ClinVar aggregate classification (germline): Uncertain significance (1 of 4 stars; one submission).

Conditions:
Autosomal dominant nonsyndromic hearing loss 1. Also called: KONIGSMARK SYNDROME; DEAFNESS, AUTOSOMAL DOMINANT 1, WITH OR WITHOUT THROMBOCYTOPENIA. Identifiers: Orphanet 90635, MedGen C1852282, MONDO:0007424, OMIM 124900.
Progressive microcephaly-seizures-cortical blindness-developmental delay syndrome. Also called: Seizures, cortical blindness, and microcephaly syndrome. Identifiers: Orphanet 477814, MedGen C5567650, MONDO:0014714, OMIM 616632.

gnomAD v4.1: 1 of 1,612,976 alleles (0.000062%); highest among the groups gnomAD compares: Admixed American, 0.0017%; no homozygotes.

Submission:

Labcorp Genetics (formerly Invitae), Labcorp
Classification: Uncertain significance for Progressive microcephaly-seizures-cortical blindness-developmental delay syndrome; Autosomal dominant nonsyndromic hearing loss 1. Last evaluated: 2024-08-07. Review status: criteria provided, single submitter. Criteria: Invitae Variant Classification Sherloc (09022015). Collection method: clinical testing. Allele origin: germline.
Comment: This sequence change replaces proline, which is neutral and non-polar, with arginine, which is basic and polar, at codon 733 of the DIAPH1 protein (p.Pro733Arg). This variant is not present in population databases (gnomAD no frequency). This variant has not been reported in the literature in individuals affected with DIAPH1-related conditions. Experimental studies and prediction algorithms are not available or were not evaluated, and the functional significance of this variant is currently unknown. In summary, the available evidence is currently insufficient to determine the role of this variant in disease. Therefore, it has been classified as a Variant of Uncertain Significance.

NM_005219.5(DIAPH1):c.2198C>G (p.Pro733Arg)

Gene: DIAPH1 (diaphanous related formin 1; minus strand). Cytogenetic location: 5q31.3.
Variant type: single nucleotide variant.
Coding change: c.2198C>G on transcript NM_005219.5 (MANE Select); coding-DNA position 2198, C replaced by G.
Protein change: p.Pro733Arg; replaces proline 733 with arginine.
Molecular consequence: missense variant.
Genome position (GRCh38, 1-based): chr5:141,573,652, G>C on the plus strand (C>G on the coding strand, the complement: DIAPH1 is on the minus strand). VCF-style: chr5-141573652-G-C. GRCh37 (hg19) VCF-style: chr5-140953219-G-C.
Other names: c.2171C>G, p.Pro724Arg (NM_001079812.3); c.2198C>G, p.Pro733Arg (NM_001314007.2); short protein forms P724R, P733R.
Identifiers: ClinVar variation 3759569 (VCV003759569.2).